The following is an entry in ClinVar:

NM_006567.5(FARS2):c.1051A>C (p.Lys351Gln)

Gene: FARS2 (phenylalanyl-tRNA synthetase 2, mitochondrial; plus strand). Cytogenetic location: 6p25.1.
Variant type: single nucleotide variant.
Coding change: c.1051A>C on transcript NM_006567.5 (MANE Select); coding-DNA position 1051, A replaced by C.
Protein change: p.Lys351Gln; replaces lysine 351 with glutamine.
Molecular consequence: missense variant.
Genome position (GRCh38, 1-based): chr6:5,545,326, A>C. VCF-style: chr6-5545326-A-C. GRCh37 (hg19) VCF-style: chr6-5545559-A-C.
Other names: c.1051A>C, p.Lys351Gln (NM_001318872.2, NM_001374875.1, NM_001374876.1 and 4 more transcripts); c.919A>C, p.Lys307Gln (NM_001375258.1); c.355A>C, p.Lys119Gln (NM_001375259.1, NM_001375260.1); short protein forms K351Q, K119Q, K307Q.
Identifiers: ClinVar variation 953399 (VCV000953399.9), dbSNP rs748818657, ClinGen allele CA3623858.

ClinVar aggregate classification (germline): Conflicting classifications of pathogenicity. Review status: criteria provided, conflicting classifications (1 of 4 stars). 2 submissions from 2 submitters: Uncertain significance (1); Likely benign (1). Last evaluated 2024-06-22.

Conditions:
Combined oxidative phosphorylation defect type 14. Also called: Combined oxidative phosphorylation deficiency 14. Identifiers: Orphanet 319519, MedGen C4755312, MONDO:0013986, OMIM 614946.

Allele frequency attached by ClinVar (database versions not stated): gnomAD exomes 0.00001 and 0.00006; gnomAD 0.00002; TOPMed 0.00002; ExAC 0.00003.
gnomAD v4.1: 23 of 1,613,344 alleles (0.0014%); highest among the groups gnomAD compares: East Asian, 0.051%; no homozygotes.

Submissions (2):

Labcorp Genetics (formerly Invitae), Labcorp
Classification: Likely benign for Combined oxidative phosphorylation defect type 14. Last evaluated: 2024-06-22. Review status: criteria provided, single submitter. Criteria: Invitae Variant Classification Sherloc (09022015). Collection method: clinical testing. Allele origin: germline.

GeneDx
Classification: Uncertain significance. Last evaluated: 2023-01-10. Review status: criteria provided, single submitter. Criteria: GeneDx Variant Classification Process June 2021. Collection method: clinical testing. Allele origin: germline. Affected: yes.
Comment: In silico analysis supports that this missense variant does not alter protein structure/function; Has not been previously published as pathogenic or benign to our knowledge